The following is an entry in ClinVar:

ClinVar aggregate classification (germline): Uncertain significance. Review status: criteria provided, multiple submitters, no conflicts (2 of 4 stars). 2 submissions from 2 submitters: Uncertain significance (2). Last evaluated 2025-08-11.

Conditions:
Inborn genetic diseases. Identifiers: MedGen C0950123, MeSH D030342.

Allele frequency attached by ClinVar (database versions not stated): gnomAD 0.00003; ExAC 0.00006; ESP Exome Variant Server 0.00015.
gnomAD v4.1: 52 of 1,579,202 alleles (0.0033%); highest among the groups gnomAD compares: African/African-American, 0.0081%; no homozygotes.

Submissions (2):

Labcorp Genetics (formerly Invitae), Labcorp
Classification: Uncertain significance. Last evaluated: 2025-08-11. Review status: criteria provided, single submitter. Criteria: Invitae Variant Classification Sherloc (09022015). Collection method: clinical testing. Allele origin: germline.
Comment: This sequence change replaces valine, which is neutral and non-polar, with methionine, which is neutral and non-polar, at codon 563 of the CAPN1 protein (p.Val563Met). This variant is present in population databases (rs367715816, gnomAD 0.02%). This variant has not been reported in the literature in individuals affected with CAPN1-related conditions. ClinVar contains an entry for this variant (Variation ID: 2076815). Invitae Evidence Modeling of protein sequence and biophysical properties (such as structural, functional, and spatial information, amino acid conservation, physicochemical variation, residue mobility, and thermodynamic stability) has been performed for this missense variant. However, the output from this modeling did not meet the statistical confidence thresholds required to predict the impact of this variant on CAPN1 protein function. In summary, the available evidence is currently insufficient to determine the role of this variant in disease. Therefore, it has been classified as a Variant of Uncertain Significance.

Ambry Genetics
Classification: Uncertain significance for Inborn genetic diseases. Last evaluated: 2024-11-13. Review status: criteria provided, single submitter. Criteria: Ambry Variant Classification Scheme 2023. Collection method: clinical testing. Allele origin: germline.

NM_005186.4(CAPN1):c.1687G>A (p.Val563Met)

Gene: CAPN1 (calpain 1; plus strand). Cytogenetic location: 11q13.1.
Variant type: single nucleotide variant.
Coding change: c.1687G>A on transcript NM_005186.4 (MANE Select); coding-DNA position 1687, G replaced by A.
Protein change: p.Val563Met; replaces valine 563 with methionine.
Molecular consequence: missense variant. On other transcripts: non-coding transcript variant (1).
Genome position (GRCh38, 1-based): chr11:65,208,220, G>A. VCF-style: chr11-65208220-G-A. GRCh37 (hg19) VCF-style: chr11-64975691-G-A.
Other names: c.1687G>A, p.Val563Met (NM_001198868.2, NM_001198869.2); c.1525G>A, p.Val509Met (NM_001198870.1); c.1687G>A (NM_001198868.1); short protein forms V509M, V563M.
Identifiers: ClinVar variation 2076815 (VCV002076815.5), dbSNP rs367715816, ClinGen allele CA6093511.